The following is an entry in ClinVar:

NM_020982.4(CLDN9):c.137T>G (p.Val46Gly)

Gene: CLDN9 (claudin 9; plus strand). Cytogenetic location: 16p13.3.
Variant type: single nucleotide variant.
Coding change: c.137T>G on transcript NM_020982.4 (MANE Select); coding-DNA position 137, T replaced by G.
Protein change: p.Val46Gly; replaces valine 46 with glycine.
Molecular consequence: missense variant.
Genome position (GRCh38, 1-based): chr16:3,013,499, T>G. VCF-style: chr16-3013499-T-G. GRCh37 (hg19) VCF-style: chr16-3063500-T-G.
Other names: short protein forms V46G.
Identifiers: ClinVar variation 2294964 (VCV002294964.3), dbSNP rs759442841, ClinGen allele CA7853974.

ClinVar aggregate classification (germline): Uncertain significance. Review status: criteria provided, multiple submitters, no conflicts (2 of 4 stars). 2 submissions from 2 submitters: Uncertain significance (2). Last evaluated 2025-05-15.

Conditions:
CLDN9-related disorder. Also called: CLDN9-related condition.

Allele frequency attached by ClinVar (database versions not stated): TOPMed below 0.00001; ExAC 0.00001; gnomAD exomes 0.00001.

Submissions (2):

PreventionGenetics, part of Exact Sciences
Classification: Uncertain significance for CLDN9-related condition. Last evaluated: 2025-05-15. Review status: criteria provided, single submitter. Criteria: ACMG Guidelines, 2015. Collection method: clinical testing. Allele origin: germline.
Comment: The CLDN9 c.137T>G variant is predicted to result in the amino acid substitution p.Val46Gly. To our knowledge, this variant has not been reported in the literature. This variant is reported in 0.00088% of alleles in individuals of European (Non-Finnish) descent in gnomAD. At this time, the clinical significance of this variant is uncertain due to the absence of conclusive functional and genetic evidence.

Ambry Genetics
Classification: Uncertain significance. Last evaluated: 2022-06-09. Review status: criteria provided, single submitter. Criteria: Ambry Variant Classification Scheme 2023. Collection method: clinical testing. Allele origin: germline.